The following is an entry in ClinVar:

ClinVar aggregate classification (germline): Uncertain significance. Review status: criteria provided, multiple submitters, no conflicts (2 of 4 stars). 3 submissions from 3 submitters: Uncertain significance (3). Last evaluated 2025-03-30.

Conditions:
Hereditary cancer-predisposing syndrome. Also called: Hereditary Cancer Syndrome; Neoplastic Syndromes, Hereditary; Tumor predisposition; Hereditary neoplastic syndrome. Identifiers: Orphanet 140162, MedGen C0027672, MeSH D009386, MONDO:0015356.
Breast-ovarian cancer, familial, susceptibility to, 4. Identifiers: Orphanet 145, MedGen C3280345, MONDO:0013669, OMIM 614291.

Allele frequency attached by ClinVar (database versions not stated): TOPMed below 0.00001; gnomAD 0.00001.
gnomAD v4.1: 2 of 1,612,736 alleles (0.00012%); highest among the groups gnomAD compares: African/African-American, 0.0027%; no homozygotes.

Submissions (3):

Labcorp Genetics (formerly Invitae), Labcorp
Classification: Uncertain significance for Breast-ovarian cancer, familial, susceptibility to, 4. Last evaluated: 2025-03-30. Review status: criteria provided, single submitter. Criteria: Invitae Variant Classification Sherloc (09022015). Collection method: clinical testing. Allele origin: germline.
Comment: This sequence change replaces leucine, which is neutral and non-polar, with phenylalanine, which is neutral and non-polar, at codon 20 of the RAD51D protein (p.Leu20Phe). This variant is not present in population databases (gnomAD no frequency). This variant has not been reported in the literature in individuals affected with RAD51D-related conditions. ClinVar contains an entry for this variant (Variation ID: 490144). An algorithm developed to predict the effect of missense changes on protein structure and function (PolyPhen-2) suggests that this variant is likely to be disruptive. In summary, the available evidence is currently insufficient to determine the role of this variant in disease. Therefore, it has been classified as a Variant of Uncertain Significance.

Color Diagnostics, LLC DBA Color Health
Classification: Uncertain significance for Hereditary cancer-predisposing syndrome. Last evaluated: 2023-12-05. Review status: criteria provided, single submitter. Criteria: ACMG Guidelines, 2015. Collection method: clinical testing. Allele origin: germline.
Comment: This missense variant replaces leucine with phenylalanine at codon 20 of the RAD51D protein. Computational prediction suggests that this variant may not impact protein structure and function (internally defined REVEL score threshold <= 0.5, PMID: 27666373). To our knowledge, functional studies have not been reported for this variant. This variant has not been reported in individuals affected with RAD51D-related disorders in the literature. This variant has not been identified in the general population by the Genome Aggregation Database (gnomAD). The available evidence is insufficient to determine the role of this variant in disease conclusively. Therefore, this variant is classified as a Variant of Uncertain Significance.

Ambry Genetics
Classification: Uncertain significance for Hereditary cancer-predisposing syndrome. Last evaluated: 2022-08-09. Review status: criteria provided, single submitter. Criteria: Ambry Variant Classification Scheme 2023. Collection method: clinical testing. Allele origin: germline.
Comment: The p.L20F variant (also known as c.58C>T), located in coding exon 1 of the RAD51D gene, results from a C to T substitution at nucleotide position 58. The leucine at codon 20 is replaced by phenylalanine, an amino acid with highly similar properties. This amino acid position is highly conserved in available vertebrate species. In addition, this alteration is predicted to be tolerated by in silico analysis. Since supporting evidence is limited at this time, the clinical significance of this alteration remains unclear.

NM_002878.4(RAD51D):c.58C>T (p.Leu20Phe)

Genes: RAD51L3-RFFL (RAD51L3-RFFL readthrough; minus strand), RAD51D (RAD51 paralog D; minus strand). Cytogenetic location: 17q12.
Variant type: single nucleotide variant.
Coding change: c.58C>T on transcript NM_002878.4 (MANE Select); coding-DNA position 58, C replaced by T.
Protein change: p.Leu20Phe; replaces leucine 20 with phenylalanine.
Molecular consequence: missense variant. On other transcripts: non-coding transcript variant (2).
Genome position (GRCh38, 1-based): chr17:35,119,556, G>A on the plus strand (C>T on the coding strand, the complement: RAD51D is on the minus strand). VCF-style: chr17-35119556-G-A. GRCh37 (hg19) VCF-style: chr17-33446575-G-A.
Other names: c.58C>T, p.Leu20Phe (NM_001142571.2, NM_133629.3); short protein forms L20F.
Identifiers: ClinVar variation 490144 (VCV000490144.15), dbSNP rs1555570487, ClinGen allele CA399092366.